The following is an entry in ClinVar:

NM_001122752.2(SERPINI1):c.332C>T (p.Ser111Phe)

Gene: SERPINI1 (serpin family I member 1; plus strand). Cytogenetic location: 3q26.1.
Variant type: single nucleotide variant.
Coding change: c.332C>T on transcript NM_001122752.2 (MANE Select); coding-DNA position 332, C replaced by T.
Protein change: p.Ser111Phe; replaces serine 111 with phenylalanine.
Molecular consequence: missense variant.
Genome position (GRCh38, 1-based): chr3:167,790,453, C>T. VCF-style: chr3-167790453-C-T. GRCh37 (hg19) VCF-style: chr3-167508241-C-T.
Other names: c.332C>T, p.Ser111Phe (NM_005025.5); short protein forms S111F.
Identifiers: ClinVar variation 840548 (VCV000840548.7), dbSNP rs769602150, ClinGen allele CA2694782.

ClinVar aggregate classification (germline): Uncertain significance (1 of 4 stars; one submission).

Conditions:
Familial encephalopathy with neuroserpin inclusion bodies. Also called: ENCEPHALOPATHY, FAMILIAL, WITH COLLINS BODIES. Identifiers: Orphanet 85110, MedGen C1858680, MONDO:0011412, OMIM 604218.

Allele frequency attached by ClinVar (database versions not stated): gnomAD 0.00001 and 0.00004; ExAC 0.00002; gnomAD exomes 0.00003; TOPMed 0.00003.
gnomAD v4.1: 25 of 1,613,834 alleles (0.0015%); highest among the groups gnomAD compares: South Asian, 0.02%; no homozygotes.

Submission:

Labcorp Genetics (formerly Invitae), Labcorp
Classification: Uncertain significance for Familial encephalopathy with neuroserpin inclusion bodies. Last evaluated: 2025-05-22. Review status: criteria provided, single submitter. Criteria: Invitae Variant Classification Sherloc (09022015). Collection method: clinical testing. Allele origin: germline.
Comment: This sequence change replaces serine, which is neutral and polar, with phenylalanine, which is neutral and non-polar, at codon 111 of the SERPINI1 protein (p.Ser111Phe). This variant is present in population databases (rs769602150, gnomAD 0.02%). This variant has not been reported in the literature in individuals affected with SERPINI1-related conditions. ClinVar contains an entry for this variant (Variation ID: 840548). Invitae Evidence Modeling of protein sequence and biophysical properties (such as structural, functional, and spatial information, amino acid conservation, physicochemical variation, residue mobility, and thermodynamic stability) indicates that this missense variant is not expected to disrupt SERPINI1 protein function with a negative predictive value of 80%. In summary, the available evidence is currently insufficient to determine the role of this variant in disease. Therefore, it has been classified as a Variant of Uncertain Significance.